The following is an entry in ClinVar:

ClinVar aggregate classification (germline): Conflicting classifications of pathogenicity. Review status: criteria provided, conflicting classifications (1 of 4 stars). 4 submissions from 4 submitters: Uncertain significance (3); Likely benign (1). Last evaluated 2026-01-12.

Conditions:
Inborn genetic diseases. Identifiers: MedGen C0950123, MeSH D030342.
Weill-Marchesani 4 syndrome, recessive. Also called: Weill-Marchesani syndrome 4. Identifiers: Orphanet 363992, MedGen C2750787, MONDO:0013176, OMIM 613195.

Allele frequency attached by ClinVar (database versions not stated): ESP Exome Variant Server 0.00008; gnomAD exomes 0.00016 and 0.00028; ExAC 0.00018; gnomAD 0.00019 and 0.00020; TOPMed 0.00025.
gnomAD v4.1: 282 of 1,607,274 alleles (0.018%); highest among the groups gnomAD compares: South Asian, 0.012%; 1 homozygote.

Submissions (4):

Labcorp Genetics (formerly Invitae), Labcorp
Classification: Likely benign. Last evaluated: 2026-01-12. Review status: criteria provided, single submitter. Criteria: Invitae Variant Classification Sherloc (09022015). Collection method: clinical testing. Allele origin: germline.

Mayo Clinic Laboratories, Mayo Clinic
Classification: Uncertain significance. Last evaluated: 2024-07-18. Review status: criteria provided, single submitter. Criteria: ACMG Guidelines, 2015. Collection method: clinical testing. Allele origin: germline. Observed: 1 variant allele.
Comment: BS1

Ambry Genetics
Classification: Uncertain significance for Inborn genetic diseases. Last evaluated: 2023-08-21. Review status: criteria provided, single submitter. Criteria: Ambry Variant Classification Scheme 2023. Collection method: clinical testing. Allele origin: germline.

Illumina Laboratory Services, Illumina
Classification: Uncertain significance for Weill-Marchesani 4 syndrome, recessive. Last evaluated: 2018-01-13. Review status: criteria provided, single submitter. Criteria: ICSL Variant Classification Criteria 13 December 2019. Collection method: clinical testing. Allele origin: germline.

NM_139057.4(ADAMTS17):c.751G>A (p.Glu251Lys)

Gene: ADAMTS17 (ADAM metallopeptidase with thrombospondin type 1 motif 17; minus strand). Cytogenetic location: 15q26.3.
Variant type: single nucleotide variant.
Coding change: c.751G>A on transcript NM_139057.4 (MANE Select); coding-DNA position 751, G replaced by A.
Protein change: p.Glu251Lys; replaces glutamic acid 251 with lysine.
Molecular consequence: missense variant.
Genome position (GRCh38, 1-based): chr15:100,281,267, C>T on the plus strand (G>A on the coding strand, the complement: ADAMTS17 is on the minus strand). VCF-style: chr15-100281267-C-T. GRCh37 (hg19) VCF-style: chr15-100821472-C-T.
Other names: p.Glu251Lys; short protein forms E251K.
Identifiers: ClinVar variation 315312 (VCV000315312.15), dbSNP rs200673902, ClinGen allele CA7758587.